The following is an entry in ClinVar:

ClinVar aggregate classification (germline): Uncertain significance (1 of 4 stars; one submission).

Allele frequency attached by ClinVar (database versions not stated): gnomAD exomes below 0.00001.
gnomAD v4.1: 3 of 1,614,224 alleles (0.00019%); highest among the groups gnomAD compares: Non-Finnish European, 0.00017%; no homozygotes.

Submission:

Labcorp Genetics (formerly Invitae), Labcorp
Classification: Uncertain significance. Last evaluated: 2022-06-15. Review status: criteria provided, single submitter. Criteria: Invitae Variant Classification Sherloc (09022015). Collection method: clinical testing. Allele origin: germline.
Comment: This sequence change replaces alanine, which is neutral and non-polar, with threonine, which is neutral and polar, at codon 72 of the LHX4 protein (p.Ala72Thr). This variant is not present in population databases (gnomAD no frequency). This variant has not been reported in the literature in individuals affected with LHX4-related conditions. Algorithms developed to predict the effect of missense changes on protein structure and function (SIFT, PolyPhen-2, Align-GVGD) all suggest that this variant is likely to be disruptive. In summary, the available evidence is currently insufficient to determine the role of this variant in disease. Therefore, it has been classified as a Variant of Uncertain Significance.

NM_033343.4(LHX4):c.214G>A (p.Ala72Thr)

Gene: LHX4 (LIM homeobox 4; plus strand). Cytogenetic location: 1q25.2.
Variant type: single nucleotide variant.
Coding change: c.214G>A on transcript NM_033343.4 (MANE Select); coding-DNA position 214, G replaced by A.
Protein change: p.Ala72Thr; replaces alanine 72 with threonine.
Molecular consequence: missense variant.
Genome position (GRCh38, 1-based): chr1:180,248,422, G>A. VCF-style: chr1-180248422-G-A. GRCh37 (hg19) VCF-style: chr1-180217557-G-A.
Other names: short protein forms A72T.
Identifiers: ClinVar variation 1954169 (VCV001954169.5), dbSNP rs2528185362, ClinGen allele CA343593088.